The following is an entry in ClinVar:

NM_000368.5(TSC1):c.1499G>A (p.Arg500Gln)

Gene: TSC1 (TSC complex subunit 1; minus strand). Cytogenetic location: 9q34.13.
Variant type: single nucleotide variant.
Coding change: c.1499G>A on transcript NM_000368.5 (MANE Select); coding-DNA position 1499, G replaced by A.
Protein change: p.Arg500Gln; replaces arginine 500 with glutamine.
Molecular consequence: missense variant.
Genome position (GRCh38, 1-based): chr9:132,906,079, C>T on the plus strand (G>A on the coding strand, the complement: TSC1 is on the minus strand). VCF-style: chr9-132906079-C-T. GRCh37 (hg19) VCF-style: chr9-135781466-C-T.
Other names: c.1496G>A, p.Arg499Gln (NM_001162426.2); c.1346G>A, p.Arg449Gln (NM_001162427.2); c.1136G>A, p.Arg379Gln (NM_001362177.2); short protein forms R500Q, R379Q, R449Q, R499Q.
Identifiers: ClinVar variation 48792 (VCV000048792.10), dbSNP rs118203538, ClinGen allele CA004949.

ClinVar aggregate classification (germline): Uncertain significance. Review status: criteria provided, multiple submitters, no conflicts (2 of 4 stars). 3 submissions from 3 submitters: Uncertain significance (2). 1 of the submissions does not count toward it. Last evaluated 2026-08-11.

Conditions:
Hereditary cancer-predisposing syndrome. Also called: Neoplastic Syndromes, Hereditary; Hereditary neoplastic syndrome; Hereditary Cancer Syndrome; Tumor predisposition. Identifiers: Orphanet 140162, MedGen C0027672, MeSH D009386, MONDO:0015356.
Tuberous sclerosis syndrome (TSC). Also called: Tuberous Sclerosis Complex; Tuberous sclerosis. Identifiers: Orphanet 805, MedGen C0041341, MONDO:0001734.
Tuberous sclerosis 1 (TSC1). Identifiers: Orphanet 805, MedGen C1854465, MONDO:0008612, OMIM 191100.

Submissions (3):

Ambry Genetics
Classification: Uncertain significance for Hereditary cancer-predisposing syndrome. Last evaluated: 2026-08-11. Review status: criteria provided, single submitter. Criteria: Ambry Variant Classification Scheme 2023. Collection method: clinical testing. Allele origin: germline.
Comment: The p.R500Q variant (also known as c.1499G>A), located in coding exon 13 of the TSC1 gene, results from a G to A substitution at nucleotide position 1499. The arginine at codon 500 is replaced by glutamine, an amino acid with highly similar properties. This variant was reported in an individual diagnosed with tuberous sclerosis, but the details of their clinical symptoms are unclear (Hass J et al. Hum Mutat, 2000 Jul;16:88). This amino acid position is highly conserved in available vertebrate species. In addition, this alteration is predicted to be deleterious by in silico analysis. Based on the available evidence, the clinical significance of this variant remains unclear.

Labcorp Genetics (formerly Invitae), Labcorp
Classification: Uncertain significance for Tuberous sclerosis 1. Last evaluated: 2022-11-01. Review status: criteria provided, single submitter. Criteria: Invitae Variant Classification Sherloc (09022015). Collection method: clinical testing. Allele origin: germline.
Comment: In summary, the available evidence is currently insufficient to determine the role of this variant in disease. Therefore, it has been classified as a Variant of Uncertain Significance. Advanced modeling of protein sequence and biophysical properties (such as structural, functional, and spatial information, amino acid conservation, physicochemical variation, residue mobility, and thermodynamic stability) performed at Invitae indicates that this missense variant is not expected to disrupt TSC1 protein function. ClinVar contains an entry for this variant (Variation ID: 48792). This variant is also known as 1720G>A. This missense change has been observed in individual(s) with clinical features of tuberous sclerosis complex (PMID: 10874311). This variant is not present in population databases (gnomAD no frequency). This sequence change replaces arginine, which is basic and polar, with glutamine, which is neutral and polar, at codon 500 of the TSC1 protein (p.Arg500Gln).

Tuberous sclerosis database (TSC1)
No classification provided. Condition: TSC. Review status: no classification provided. Criteria: Tuberous Sclerosis Database Assertion Criteria 2015. Collection method: curation. Allele origin: germline. Affected: yes. Not counted in ClinVar's aggregate classification.

Literature cited by the submitters: PubMed 10874311 (cited by Ambry Genetics and Labcorp Genetics (formerly Invitae), Labcorp).